The following is an entry in ClinVar:

ClinVar aggregate classification (germline): Benign. Review status: criteria provided, multiple submitters, no conflicts (2 of 4 stars). 5 submissions from 5 submitters: Benign (4). 1 of the submissions does not count toward it. Last evaluated 2025-07-30.

Conditions:
CRYGD-related disorder. Also called: CRYGD-related condition.
Aculeiform cataract (CTRCT4). Also called: Fasciculiform cataract; Frosted cataract; Needle-shaped cataract. Identifiers: MedGen C1861832, HP:0010926.
Cataract 4 multiple types. Also called: CATARACT 4, MULTIPLE TYPES, WITH OR WITHOUT MICROCORNEA; CATARACT 4 WITH MICROCORNEA; CATARACT 4, PUNCTATE; CATARACT 4, CRYSTALLINE; CATARACT 4, CENTRAL NUCLEAR; CATARACT 4, NONNUCLEAR POLYMORPHIC CONGENITAL. Identifiers: Orphanet 1377, MedGen C3540850, MONDO:0007281, OMIM 115700.

Allele frequency attached by ClinVar (database versions not stated): 1000 Genomes Project 0.00060; 1000 Genomes Project 30x 0.00062; TOPMed 0.00168; gnomAD exomes 0.00190 and 0.00251; ExAC 0.00208; ESP Exome Variant Server 0.00208; gnomAD 0.00210 and 0.00220.
gnomAD v4.1: 3,930 of 1,614,118 alleles (0.24%); highest among the groups gnomAD compares: Non-Finnish European, 0.31%; 9 homozygotes.

Submissions (5):

Labcorp Genetics (formerly Invitae), Labcorp
Classification: Benign for Aculeiform cataract. Last evaluated: 2025-07-30. Review status: criteria provided, single submitter. Criteria: Invitae Variant Classification Sherloc (09022015). Collection method: clinical testing. Allele origin: germline.

CeGaT Center for Human Genetics Tuebingen
Classification: Benign. Last evaluated: 2024-07-01. Review status: criteria provided, single submitter. Criteria: CeGaT Center For Human Genetics Tuebingen Variant Classification Criteria Version 2. Collection method: clinical testing. Allele origin: germline. Affected: yes. Observed: 1 variant allele.
Comment: CRYGD: BS1, BS2

Illumina Laboratory Services, Illumina
Classification: Benign for Cataract 4 multiple types. Last evaluated: 2018-01-13. Review status: criteria provided, single submitter. Criteria: ICSL Variant Classification Criteria 13 December 2019. Collection method: clinical testing. Allele origin: germline.
Comment: This variant was observed in the ICSL laboratory as part of a predisposition screen in an ostensibly healthy population. It had not been previously curated by ICSL or reported in the Human Gene Mutation Database (HGMD: prior to June 1st, 2018), and was therefore a candidate for classification through an automated scoring system. Utilizing variant allele frequency, disease prevalence and penetrance estimates, and inheritance mode, an automated score was calculated to assess if this variant is too frequent to cause the disease. Based on the score and internal cut-off values, a variant classified as benign is not then subjected to further curation. The score for this variant resulted in a classification of benign for this disease.

Breakthrough Genomics
Classification: Benign. Review status: criteria provided, single submitter. Criteria: ACMG Guidelines, 2015. Collection method: not provided. Allele origin: germline. Inheritance: Autosomal dominant inheritance. Affected: yes.

PreventionGenetics, part of Exact Sciences
Classification: Likely benign for CRYGD-related condition. Last evaluated: 2019-09-13. Review status: no assertion criteria provided. Collection method: clinical testing. Allele origin: germline. Not counted in ClinVar's aggregate classification.
Comment: This variant is classified as likely benign based on ACMG/AMP sequence variant interpretation guidelines (Richards et al. 2015 PMID: 25741868, with internal and published modifications).

NM_006891.4(CRYGD):c.376G>A (p.Val126Met)

Genes: CRYGD (crystallin gamma D; minus strand), LOC100507443 (uncharacterized LOC100507443; plus strand). Cytogenetic location: 2q33.3.
Variant type: single nucleotide variant.
Coding change: c.376G>A on transcript NM_006891.4 (MANE Select); coding-DNA position 376, G replaced by A.
Protein change: p.Val126Met; replaces valine 126 with methionine.
Molecular consequence: missense variant.
Genome position (GRCh38, 1-based): chr2:208,121,822, C>T on the plus strand (G>A on the coding strand, the complement: CRYGD is on the minus strand). VCF-style: chr2-208121822-C-T. GRCh37 (hg19) VCF-style: chr2-208986546-C-T.
Other names: short protein forms V126M.
Identifiers: ClinVar variation 333869 (VCV000333869.37), dbSNP rs150318966, ClinGen allele CA2077643.